The following is an entry in ClinVar:

ClinVar aggregate classification (germline): Conflicting classifications of pathogenicity. Review status: criteria provided, conflicting classifications (1 of 4 stars). 5 submissions from 5 submitters: Uncertain significance (1); Likely benign (3). 1 of the submissions does not count toward it. Last evaluated 2025-12-01.

Conditions:
Nephrolithiasis/nephrocalcinosis. Identifiers: MedGen CN580796.
Autosomal dominant hypocalcemia 1 (HYPOC1). Also called: HYPOCALCEMIA, FAMILIAL. Identifiers: MedGen C3715128, MONDO:0011013, OMIM 601198.
Familial hypocalciuric hypercalcemia (FHH). Also called: Familial benign hypercalcemia. Identifiers: Orphanet 405, MedGen C1809471, MONDO:0018458.
CASR-related disorder. Also called: CASR-related condition.

Allele frequency attached by ClinVar (database versions not stated): gnomAD below 0.00001 and 0.00007; TOPMed 0.00001; gnomAD exomes 0.00014 and 0.00026; ExAC 0.00028; 1000 Genomes Project 30x 0.00078; 1000 Genomes Project 0.00080.
gnomAD v4.1: 224 of 1,614,186 alleles (0.014%); highest among the groups gnomAD compares: South Asian, 0.23%; 4 homozygotes.

Submissions (5):

Labcorp Genetics (formerly Invitae), Labcorp
Classification: Likely benign for Familial hypocalciuric hypercalcemia; Autosomal dominant hypocalcemia 1. Last evaluated: 2025-12-01. Review status: criteria provided, single submitter. Criteria: Invitae Variant Classification Sherloc (09022015). Collection method: clinical testing. Allele origin: germline.

Blueprint Genetics
Classification: Likely benign. Last evaluated: 2023-09-20. Review status: criteria provided, single submitter. Criteria: ACMG Guidelines, 2015. Collection method: clinical testing. Allele origin: germline.

Ambry Genetics
Classification: Likely benign for Nephrolithiasis/nephrocalcinosis. Last evaluated: 2019-03-11. Review status: criteria provided, single submitter. Criteria: Ambry Variant Classification Scheme 2023. Collection method: clinical testing. Allele origin: germline.

Eurofins Ntd Llc (ga)
Classification: Uncertain significance. Last evaluated: 2015-05-05. Review status: criteria provided, single submitter. Criteria: EGL Classification Definitions 2015. Collection method: clinical testing. Allele origin: germline. Observed: 1 variant allele, 1 heterozygote.

PreventionGenetics, part of Exact Sciences
Classification: Likely benign for CASR-related condition. Last evaluated: 2020-03-20. Review status: no assertion criteria provided. Collection method: clinical testing. Allele origin: germline. Not counted in ClinVar's aggregate classification.
Comment: This variant is classified as likely benign based on ACMG/AMP sequence variant interpretation guidelines (Richards et al. 2015 PMID: 25741868, with internal and published modifications).

NM_000388.4(CASR):c.2901C>A (p.Ile967=)

Gene: CASR (calcium sensing receptor; plus strand). Cytogenetic location: 3q21.1.
Variant type: single nucleotide variant.
Coding change: c.2901C>A on transcript NM_000388.4 (MANE Select); coding-DNA position 2901, C replaced by A.
Protein change: p.Ile967=; no amino-acid change (isoleucine 967 retained).
Molecular consequence: synonymous variant.
Genome position (GRCh38, 1-based): chr3:122,284,855, C>A. VCF-style: chr3-122284855-C-A. GRCh37 (hg19) VCF-style: chr3-122003702-C-A.
Other names: c.2931C>A, p.Ile977= (NM_001178065.2); c.2931C>A (NM_001178065.1).
Identifiers: ClinVar variation 198073 (VCV000198073.23), dbSNP rs199594582, ClinGen allele CA246560.